The following is an entry in ClinVar:

NM_014806.5(RUSC2):c.1528C>T (p.Arg510Cys)

Gene: RUSC2 (RUN and SH3 domain containing 2; plus strand). Cytogenetic location: 9p13.3.
Variant type: single nucleotide variant.
Coding change: c.1528C>T on transcript NM_014806.5 (MANE Select); coding-DNA position 1528, C replaced by T.
Protein change: p.Arg510Cys; replaces arginine 510 with cysteine.
Molecular consequence: missense variant. On other transcripts: non-coding transcript variant (1), intron variant (1).
Genome position (GRCh38, 1-based): chr9:35,548,049, C>T. VCF-style: chr9-35548049-C-T. GRCh37 (hg19) VCF-style: chr9-35548046-C-T.
Other names: c.1528C>T, p.Arg510Cys (NM_001135999.2); c.-620-7011C>T (NM_001330740.2); c.1528C>T (NM_001135999.1); short protein forms R510C.
Identifiers: ClinVar variation 1432689 (VCV001432689.5), dbSNP rs771975181, ClinGen allele CA5043663.

ClinVar aggregate classification (germline): Uncertain significance. Review status: criteria provided, multiple submitters, no conflicts (2 of 4 stars). 3 submissions from 3 submitters: Uncertain significance (3). Last evaluated 2025-02-13.

Conditions:
Intellectual developmental disorder, autosomal recessive 61. Also called: MENTAL RETARDATION, AUTOSOMAL RECESSIVE 61; Intellectual disability, autosomal recessive 61; ALWADEI SYNDROME. Identifiers: MedGen C4540424, MONDO:0030915, OMIM 617773.

Allele frequency attached by ClinVar (database versions not stated): gnomAD 0.00003; gnomAD exomes 0.00004 and 0.00002; TOPMed 0.00002; ExAC 0.00004.
gnomAD v4.1: 36 of 1,613,448 alleles (0.0022%); highest among the groups gnomAD compares: Admixed American, 0.01%; no homozygotes.

Submissions (3):

Ambry Genetics
Classification: Uncertain significance. Last evaluated: 2025-02-13. Review status: criteria provided, single submitter. Criteria: Ambry Variant Classification Scheme 2023. Collection method: clinical testing. Allele origin: germline.

Revvity Omics, Revvity
Classification: Uncertain significance for Intellectual developmental disorder, autosomal recessive 61. Last evaluated: 2025-01-08. Review status: criteria provided, single submitter. Criteria: ACMG Guidelines, 2015. Collection method: clinical testing. Allele origin: germline.

Labcorp Genetics (formerly Invitae), Labcorp
Classification: Uncertain significance. Last evaluated: 2022-03-01. Review status: criteria provided, single submitter. Criteria: Invitae Variant Classification Sherloc (09022015). Collection method: clinical testing. Allele origin: germline.
Comment: This sequence change replaces arginine, which is basic and polar, with cysteine, which is neutral and slightly polar, at codon 510 of the RUSC2 protein (p.Arg510Cys). This variant is present in population databases (rs771975181, gnomAD 0.01%). This variant has not been reported in the literature in individuals affected with RUSC2-related conditions. Algorithms developed to predict the effect of missense changes on protein structure and function (SIFT, PolyPhen-2, Align-GVGD) all suggest that this variant is likely to be disruptive. In summary, the available evidence is currently insufficient to determine the role of this variant in disease. Therefore, it has been classified as a Variant of Uncertain Significance.